The following is an entry in ClinVar:

ClinVar aggregate classification (germline): Uncertain significance (1 of 4 stars; one submission).

Conditions:
Atypical hemolytic-uremic syndrome with thrombomodulin anomaly. Also called: HEMOLYTIC UREMIC SYNDROME, ATYPICAL, SUSCEPTIBILITY TO, 6; AHUS, SUSCEPTIBILITY TO, 6. Identifiers: MedGen C2752036, MONDO:0013044, OMIM 612926. Disease mechanism: gain of function.

Submission:

Neuberg Centre For Genomic Medicine, NCGM
Classification: Uncertain significance for Atypical hemolytic-uremic syndrome with thrombomodulin anomaly. Review status: criteria provided, single submitter. Criteria: ACMG Guidelines, 2015. Collection method: clinical testing. Allele origin: germline. Inheritance: Autosomal dominant inheritance. Affected: yes.
Comment: The missense c.667A>C(p.Met223Leu) variant in THBD gene has not been reported previously as a pathogenic variant nor a benign variant, to our knowledge. The p.Met223Leu variant is novel (not in any individuals) in gnomAD Exomes and 1000 Genomes. This variant has not been reported to the ClinVar database. The amino acid Met at position 223 is changed to a Leu changing protein sequence and it might alter its composition and physico-chemical properties. For these reasons, this variant has been classified as a Uncertain significance (VUS).

NM_000361.3(THBD):c.667A>C (p.Met223Leu)

Gene: THBD (thrombomodulin; minus strand). Cytogenetic location: 20p11.21.
Variant type: single nucleotide variant.
Coding change: c.667A>C on transcript NM_000361.3 (MANE Select); coding-DNA position 667, A replaced by C.
Protein change: p.Met223Leu; replaces methionine 223 with leucine.
Molecular consequence: missense variant.
Genome position (GRCh38, 1-based): chr20:23,048,838, T>G on the plus strand (A>C on the coding strand, the complement: THBD is on the minus strand). VCF-style: chr20-23048838-T-G. GRCh37 (hg19) VCF-style: chr20-23029475-T-G.
Other names: short protein forms M223L.
Identifiers: ClinVar variation 3061991 (VCV003061991.1), dbSNP rs2515205027, ClinGen allele CA408407208.